The following is an entry in ClinVar:

ClinVar aggregate classification (germline): Benign. Review status: criteria provided, multiple submitters, no conflicts (2 of 4 stars). 7 submissions from 7 submitters: Benign (7). Last evaluated 2026-02-04.

Conditions:
Congenital bile acid synthesis defect 1 (CBAS1). Also called: 3-BETA-HYDROXY-DELTA-5-C27-STEROID OXIDOREDUCTASE DEFICIENCY. Identifiers: Orphanet 79301, MedGen C1843116, MONDO:0011906, OMIM 607765.

Allele frequency attached by ClinVar (database versions not stated): 1000 Genomes Project 30x 0.48079; TOPMed 0.52057; gnomAD 0.52796 and 0.52808; gnomAD exomes 0.60976; ESP Exome Variant Server 0.52271; 1000 Genomes Project 0.49341.
gnomAD v4.1: 971,292 of 1,612,980 alleles (60%); highest among the groups gnomAD compares: East Asian, 91%; 303,549 homozygotes.

Submissions (7):

Labcorp Genetics (formerly Invitae), Labcorp
Classification: Benign. Last evaluated: 2026-02-04. Review status: criteria provided, single submitter. Criteria: Invitae Variant Classification Sherloc (09022015). Collection method: clinical testing. Allele origin: germline.

Genome-Nilou Lab
Classification: Benign for Congenital bile acid synthesis defect 1. Last evaluated: 2021-08-10. Review status: criteria provided, single submitter. Criteria: ACMG Guidelines, 2015. Collection method: clinical testing. Allele origin: germline. Affected: no.

Mayo Clinic Laboratories, Mayo Clinic
Classification: Benign. Last evaluated: 2021-04-27. Review status: criteria provided, single submitter. Criteria: ACMG Guidelines, 2015. Collection method: clinical testing. Allele origin: germline. Observed: 412 variant alleles.

GeneDx
Classification: Benign. Last evaluated: 2018-07-05. Review status: criteria provided, single submitter. Criteria: GeneDx Variant Classification Process June 2021. Collection method: clinical testing. Allele origin: germline. Affected: yes.
Comment: This variant is associated with the following publications: (PMID: 28973304)

Eurofins Ntd Llc (ga)
Classification: Benign. Last evaluated: 2016-02-25. Review status: criteria provided, single submitter. Criteria: EGL Classification Definitions 2015. Collection method: clinical testing. Allele origin: germline. Observed: 2 variant alleles, 1 heterozygote, 1 homozygote.

Breakthrough Genomics
Classification: Benign. Review status: criteria provided, single submitter. Criteria: ACMG Guidelines, 2015. Collection method: not provided. Allele origin: germline. Inheritance: Autosomal recessive inheritance. Affected: yes.

PreventionGenetics, part of Exact Sciences
Classification: Benign. Review status: criteria provided, single submitter. Criteria: ACMG Guidelines, 2015. Collection method: clinical testing. Allele origin: germline.

NM_025193.4(HSD3B7):c.748A>G (p.Thr250Ala)

Gene: HSD3B7 (hydroxy-delta-5-steroid dehydrogenase, 3 beta- and steroid delta-isomerase 7; plus strand). Cytogenetic location: 16p11.2.
Variant type: single nucleotide variant.
Coding change: c.748A>G on transcript NM_025193.4 (MANE Select); coding-DNA position 748, A replaced by G.
Protein change: p.Thr250Ala; replaces threonine 250 with alanine.
Molecular consequence: missense variant. On other transcripts: synonymous variant (2).
Genome position (GRCh38, 1-based): chr16:30,987,821, A>G. VCF-style: chr16-30987821-A-G. GRCh37 (hg19) VCF-style: chr16-30999142-A-G.
Other names: c.585A>G, p.Gln195= (NM_001142777.2, NM_001142778.2); short protein forms T250A.
Identifiers: ClinVar variation 261873 (VCV000261873.18), dbSNP rs9938550, ClinGen allele CA8018104.
Genomic context (GRCh38, chr16:30,987,821, plus strand): 5'-CCGGCAGGCAATGTTGCCTGGATGCACGTGCTGGCAGCCCGGGAGCTGGAGCAGCGGGCA[A>G]CCCTGATGGGCGGCCAGGTATACTTCTGCTACGATGGATCACCCTACAGGAGCTACGAGG-3'
Protein context (NP_079469.2, residues 240-260): LAARELEQRA[Thr250Ala]LMGGQVYFCY